The following is an entry in ClinVar:

NM_001282531.3(ADNP):c.3069_3072del (p.Arg1023fs)

Gene: ADNP (activity dependent neuroprotector homeobox; minus strand). Cytogenetic location: 20q13.13.
Variant type: Microsatellite.
Coding change: c.3069_3072del on transcript NM_001282531.3 (MANE Select); coding-DNA positions 3069 to 3072, 4 bases deleted (AGAG; older notation c.3069_3072delAGAG).
Protein change: p.Arg1023fs; shifts the reading frame from arginine 1023.
Molecular consequence: frameshift variant.
Genome position (GRCh38, 1-based): chr20:50,891,642-50,891,645, CTCT deleted on the plus strand (AGAG on the coding strand, the reverse complement: ADNP is on the minus strand); deleting any 4 consecutive bases within chr20:50,891,642-50,891,647 gives the same sequence; the c. name uses the placement nearest the transcript's 3' end. VCF-style (leftmost placement, unchanged base first): chr20-50891641-GCTCT-G. GRCh37 (hg19) VCF-style: chr20-49508178-GCTCT-G.
Other names: c.3069_3072del, p.Arg1023fs (NM_001282532.2, NM_001347511.2, NM_015339.5 and 1 more transcripts); c.3069_3072del (NM_015339.2); c.3069_3072delAGAG (NM_001282531.2); short protein forms R1023fs.
Identifiers: ClinVar variation 988372 (VCV000988372.7), dbSNP rs1279657093, ClinGen allele CA636172024.

ClinVar aggregate classification (germline): Conflicting classifications of pathogenicity. Review status: criteria provided, conflicting classifications (1 of 4 stars). 4 submissions from 4 submitters: Pathogenic (1); Likely pathogenic (1); Uncertain significance (2). Last evaluated 2023-08-04.

Conditions:
ADNP-related disorder. Also called: ADNP-related condition.

Submissions (4):

Labcorp Genetics (formerly Invitae), Labcorp
Classification: Pathogenic. Last evaluated: 2023-08-04. Review status: criteria provided, single submitter. Criteria: Invitae Variant Classification Sherloc (09022015). Collection method: clinical testing. Allele origin: germline.
Comment: This variant is present in population databases (no rsID available, gnomAD 0.003%). This sequence change creates a premature translational stop signal (p.Arg1023Serfs*3) in the ADNP gene. While this is not anticipated to result in nonsense mediated decay, it is expected to disrupt the last 80 amino acid(s) of the ADNP protein. This premature translational stop signal has been observed in individual(s) with clinical features of Helsmoortel-Van der Aa syndrome (PMID: 29724491, 29911927, 33004838). Algorithms developed to predict the effect of variants on protein structure and function are not available or were not evaluated for this variant. Experimental studies are conflicting or provide insufficient evidence to determine the effect of this variant on ADNP function (PMID: 29911927). This variant disrupts a region of the ADNP protein in which other variant(s) (p.Met1088Serfs*5 ) have been determined to be pathogenic (PMID: 28135719). This suggests that this is a clinically significant region of the protein, and that variants that disrupt it are likely to be disease-causing. For these reasons, this variant has been classified as Pathogenic.

PreventionGenetics, part of Exact Sciences
Classification: Uncertain significance for ADNP-related condition. Last evaluated: 2023-07-05. Review status: criteria provided, single submitter. Criteria: ACMG Guidelines, 2015. Collection method: clinical testing. Allele origin: germline.
Comment: The ADNP c.3069_3072delAGAG variant is predicted to result in a frameshift and premature protein termination (p.Arg1023Serfs*3). This variant is located in the latter half of the terminal exon; yet other early termination changes in the vicinity have been reported as causative. This variant has been reported in one individual from a cohort of patients with autism spectrum disorder and intellectual disability syndrome (Table S2, Van Dijck et al. 2018. PubMed ID: 29724491). However, in vitro functional studies of the p.Arg1023Serfs*3 variant showed similar localization in the nucleus as wildtype (Cappuyns et al 2018. PubMed ID: 29911927). In addition, this variant is present in a single heterozygous individual of unknown phenotype in the gnomAD database. Based on these observations, we classify this variant as uncertain significance.

GeneDx
Classification: Uncertain significance. Last evaluated: 2023-03-17. Review status: criteria provided, single submitter. Criteria: GeneDx Variant Classification Process June 2021. Collection method: clinical testing. Allele origin: germline. Affected: yes.
Comment: Identified in an individual in a cohort of patients with ADNP variants, however, patient specific clinical information and segregation details were not included (Van Dijck A et al., 2019); Identified in a patient from a cohort of individuals with neurodevelopmental disorder who also harbored a variant in the CHD8 gene (Wang et al., 2020); Frameshift variant predicted to result in protein truncation as the last 80 amino acids are replaced with 2 different amino acids, although loss-of-function variants have not been reported downstream of this position in the protein; This variant is associated with the following publications: (PMID: 29911927, 29724491, 33004838)

Clinical Genetics and Genomics, Karolinska University Hospital
Classification: Likely pathogenic. Last evaluated: 2016-06-13. Review status: criteria provided, single submitter. Criteria: ACMG Guidelines, 2015. Collection method: clinical testing. Allele origin: germline. Affected: yes. Observed: 1 variant allele.

Literature cited by the submitters: PubMed 29724491 (cited by Labcorp Genetics (formerly Invitae), Labcorp); PubMed 29911927 (cited by Labcorp Genetics (formerly Invitae), Labcorp); PubMed 33004838 (cited by Labcorp Genetics (formerly Invitae), Labcorp); PubMed 28135719 (cited by Labcorp Genetics (formerly Invitae), Labcorp).